The following is an entry in ClinVar:

ClinVar aggregate classification (germline): Uncertain significance. Review status: criteria provided, multiple submitters, no conflicts (2 of 4 stars). 3 submissions from 3 submitters: Uncertain significance (3). Last evaluated 2024-12-04.

Conditions:
Inborn genetic diseases. Identifiers: MedGen C0950123, MeSH D030342.

Allele frequency attached by ClinVar (database versions not stated): ExAC 0.00001.
gnomAD v4.1: 3 of 1,612,594 alleles (0.00019%); no homozygotes.

Submissions (3):

Labcorp Genetics (formerly Invitae), Labcorp
Classification: Uncertain significance. Last evaluated: 2024-12-04. Review status: criteria provided, single submitter. Criteria: Invitae Variant Classification Sherloc (09022015). Collection method: clinical testing. Allele origin: germline.
Comment: This sequence change replaces lysine, which is basic and polar, with arginine, which is basic and polar, at codon 261 of the HTRA1 protein (p.Lys261Arg). This variant is present in population databases (rs763473598, gnomAD 0.006%). This variant has not been reported in the literature in individuals affected with HTRA1-related conditions. ClinVar contains an entry for this variant (Variation ID: 2049920). Invitae Evidence Modeling of protein sequence and biophysical properties (such as structural, functional, and spatial information, amino acid conservation, physicochemical variation, residue mobility, and thermodynamic stability) indicates that this missense variant is not expected to disrupt HTRA1 protein function with a negative predictive value of 95%. In summary, the available evidence is currently insufficient to determine the role of this variant in disease. Therefore, it has been classified as a Variant of Uncertain Significance.

Blueprint Genetics
Classification: Uncertain significance. Last evaluated: 2024-11-06. Review status: criteria provided, single submitter. Criteria: ACMG Guidelines, 2015. Collection method: clinical testing. Allele origin: germline.

Ambry Genetics
Classification: Uncertain significance for Inborn genetic diseases. Last evaluated: 2024-03-18. Review status: criteria provided, single submitter. Criteria: Ambry Variant Classification Scheme 2023. Collection method: clinical testing. Allele origin: germline.

NM_002775.5(HTRA1):c.782A>G (p.Lys261Arg)

Gene: HTRA1 (HtrA serine peptidase 1; plus strand). Cytogenetic location: 10q26.13.
Variant type: single nucleotide variant.
Coding change: c.782A>G on transcript NM_002775.5 (MANE Select); coding-DNA position 782, A replaced by G.
Protein change: p.Lys261Arg; replaces lysine 261 with arginine.
Molecular consequence: missense variant.
Genome position (GRCh38, 1-based): chr10:122,506,695, A>G. VCF-style: chr10-122506695-A-G. GRCh37 (hg19) VCF-style: chr10-124266211-A-G.
Other names: c.782A>G (NM_002775.4); short protein forms K261R.
Identifiers: ClinVar variation 2049920 (VCV002049920.5), dbSNP rs763473598, ClinGen allele CA5725930.